The following is an entry in ClinVar:

NM_000428.3(LTBP2):c.4720+7G>A

Gene: LTBP2 (latent transforming growth factor beta binding protein 2; minus strand). Cytogenetic location: 14q24.3.
Variant type: single nucleotide variant.
Coding change: c.4720+7G>A on transcript NM_000428.3 (MANE Select); 7 bases into the intron after coding-DNA position 4720, G replaced by A.
Molecular consequence: intron variant.
Genome position (GRCh38, 1-based): chr14:74,503,462, C>T on the plus strand (G>A on the coding strand, the complement: LTBP2 is on the minus strand). VCF-style: chr14-74503462-C-T. GRCh37 (hg19) VCF-style: chr14-74970165-C-T.
Identifiers: ClinVar variation 126948 (VCV000126948.2), dbSNP rs137854885, ClinGen allele CA286514.

ClinVar aggregate classification (germline): Uncertain significance (0 of 4 stars; one submission).

Conditions:
Marfan syndrome (MFS). Also called: FBN1-Related Marfan Syndrome; MARFAN SYNDROME, TYPE I; Marfan syndrome, classic; Marfan syndrome type 1; Marfan's syndrome. Identifiers: Orphanet 284963, Orphanet 558, MedGen C0024796, MONDO:0007947, OMIM 154700.

Allele frequency attached by ClinVar (database versions not stated): gnomAD exomes below 0.00001; ESP Exome Variant Server 0.00008.
gnomAD v4.1: 2 of 1,610,452 alleles (0.00012%); highest among the groups gnomAD compares: Middle Eastern, 0.017%; no homozygotes.

Submission:

Elahi Laboratory, University of Tehran
Classification: Uncertain significance for Marfan''s syndrome. Review status: no assertion criteria provided. Collection method: not provided. Allele origin: unknown.
ClinVar note: Converted during submission from unknown significance to Uncertain significance.